The following is an entry in ClinVar:

NM_000268.4(NF2):c.1489A>C (p.Ser497Arg)

Gene: NF2 (NF2, moesin-ezrin-radixin like (MERLIN) tumor suppressor; plus strand). Cytogenetic location: 22q12.2.
Variant type: single nucleotide variant.
Coding change: c.1489A>C on transcript NM_000268.4 (MANE Select); coding-DNA position 1489, A replaced by C.
Protein change: p.Ser497Arg; replaces serine 497 with arginine.
Molecular consequence: missense variant. On other transcripts: non-coding transcript variant (1), intron variant (1).
Genome position (GRCh38, 1-based): chr22:29,678,238, A>C. VCF-style: chr22-29678238-A-C. GRCh37 (hg19) VCF-style: chr22-30074227-A-C.
Other names: c.1375A>C, p.Ser459Arg (NM_001407053.1, NM_001407056.1); c.1366A>C, p.Ser456Arg (NM_001407054.1, NM_001407058.1, NM_181829.3); c.1363A>C, p.Ser455Arg (NM_001407055.1, NM_181828.3); c.1354A>C, p.Ser452Arg (NM_001407057.1, NM_001407059.1); c.1489A>C, p.Ser497Arg (NM_001407060.1, NM_001407066.1, NM_016418.5 and 2 more transcripts); c.1231A>C, p.Ser411Arg (NM_001407062.1); c.1240A>C, p.Ser414Arg (NM_001407063.1, NM_001407064.1, NM_181830.3 and 1 more transcripts); c.955A>C, p.Ser319Arg (NM_001407065.1); and 2 more; short protein forms S456R, S319R, S420R, S452R, S455R, S411R, S414R, S459R.
Identifiers: ClinVar variation 3299420 (VCV003299420.1).

ClinVar aggregate classification (germline): Uncertain significance (1 of 4 stars; one submission).

Conditions:
Hereditary cancer-predisposing syndrome. Also called: Tumor predisposition; Hereditary Cancer Syndrome; Hereditary neoplastic syndrome; Neoplastic Syndromes, Hereditary. Identifiers: Orphanet 140162, MedGen C0027672, MeSH D009386, MONDO:0015356.

Submission:

Ambry Genetics
Classification: Uncertain significance for Hereditary cancer-predisposing syndrome. Last evaluated: 2024-04-12. Review status: criteria provided, single submitter. Criteria: Ambry Variant Classification Scheme 2023. Collection method: clinical testing. Allele origin: germline.
Comment: The p.S497R variant (also known as c.1489A>C), located in coding exon 14 of the NF2 gene, results from an A to C substitution at nucleotide position 1489. The serine at codon 497 is replaced by arginine, an amino acid with dissimilar properties. This amino acid position is conserved. In addition, the in silico prediction for this alteration is inconclusive. Based on the available evidence, the clinical significance of this variant remains unclear.